The following is an entry in ClinVar:

NM_001386393.1(PANK2):c.50G>T (p.Gly17Val)

Genes: PANK2 (pantothenate kinase 2; plus strand), LOC130065345 (ATAC-STARR-seq lymphoblastoid silent region 12635; plus strand). Cytogenetic location: 20p13.
Variant type: single nucleotide variant.
Coding change: c.50G>T on transcript NM_001386393.1 (MANE Select); coding-DNA position 50, G replaced by T.
Protein change: p.Gly17Val; replaces glycine 17 with valine.
Molecular consequence: missense variant. On other transcripts: 5 prime UTR variant (1), non-coding transcript variant (1), intron variant (1).
Genome position (GRCh38, 1-based): chr20:3,889,480, G>T. VCF-style: chr20-3889480-G-T. GRCh37 (hg19) VCF-style: chr20-3870127-G-T.
Other names: p.Gly127Val; c.380G>T (NM_153638.3); c.-662G>T (NM_001324191.2); c.380G>T, p.Gly127Val (NM_001324192.1, NM_153638.4); c.-246+576G>T (NM_024960.6); short protein forms G127V, G17V.
Identifiers: ClinVar variation 285843 (VCV000285843.47), dbSNP rs528149001, ClinGen allele CA9750566.

ClinVar aggregate classification (germline): Benign/Likely benign. Review status: criteria provided, multiple submitters, no conflicts (2 of 4 stars). 8 submissions from 8 submitters: Benign (3); Likely benign (4). 1 of the submissions does not count toward it. Last evaluated 2026-04-01.

Conditions:
PANK2-related disorder. Also called: PANK2-related condition.
Pigmentary pallidal degeneration (NBIA1). Also called: Neurodegeneration with brain iron accumulation 1; Pantothenate Kinase-Associated Neurodegeneration; HARP SYNDROME; Neuroaxonal dystrophy, late infantile; Hallervorden-Spatz disease; PKAN NEUROAXONAL DYSTROPHY, JUVENILE-ONSET. Identifiers: Orphanet 157850, MedGen C0018523, MONDO:0009319, OMIM 234200.

Allele frequency attached by ClinVar (database versions not stated): gnomAD 0.00022; TOPMed 0.00046; 1000 Genomes Project 30x 0.00265; 1000 Genomes Project 0.00319; ExAC 0.00462.
gnomAD v4.1: 1,208 of 1,493,912 alleles (0.081%); highest among the groups gnomAD compares: South Asian, 0.84%; 13 homozygotes.

Submissions (8):

CeGaT Center for Human Genetics Tuebingen
Classification: Likely benign. Last evaluated: 2026-04-01. Review status: criteria provided, single submitter. Criteria: CeGaT Center For Human Genetics Tuebingen Variant Classification Criteria Version 2. Collection method: clinical testing. Allele origin: germline. Affected: yes. Observed: 5 variant alleles.
Comment: PANK2: PP3, BS2

Labcorp Genetics (formerly Invitae), Labcorp
Classification: Likely benign for Pigmentary pallidal degeneration. Last evaluated: 2026-02-04. Review status: criteria provided, single submitter. Criteria: Invitae Variant Classification Sherloc (09022015). Collection method: clinical testing. Allele origin: germline.

Blueprint Genetics
Classification: Likely benign. Last evaluated: 2024-11-20. Review status: criteria provided, single submitter. Criteria: ACMG Guidelines, 2015. Collection method: clinical testing. Allele origin: germline.

Mayo Clinic Laboratories, Mayo Clinic
Classification: Benign. Last evaluated: 2022-06-06. Review status: criteria provided, single submitter. Criteria: ACMG Guidelines, 2015. Collection method: clinical testing. Allele origin: germline. Observed: 6 variant alleles.
Comment: BS1, BS2

GeneDx
Classification: Likely benign. Last evaluated: 2020-06-01. Review status: criteria provided, single submitter. Criteria: GeneDx Variant Classification Process June 2021. Collection method: clinical testing. Allele origin: germline. Affected: yes.
Comment: Has not been previously published as pathogenic or benign to our knowledge In silico analysis supports that this missense variant does not alter protein structure/function

Illumina Laboratory Services, Illumina
Classification: Benign for Pigmentary pallidal degeneration. Last evaluated: 2018-01-12. Review status: criteria provided, single submitter. Criteria: ICSL Variant Classification Criteria 13 December 2019. Collection method: clinical testing. Allele origin: germline.
Comment: This variant was observed in the ICSL laboratory as part of a predisposition screen in an ostensibly healthy population. It had not been previously curated by ICSL or reported in the Human Gene Mutation Database (HGMD: prior to June 1st, 2018), and was therefore a candidate for classification through an automated scoring system. Utilizing variant allele frequency, disease prevalence and penetrance estimates, and inheritance mode, an automated score was calculated to assess if this variant is too frequent to cause the disease. Based on the score and internal cut-off values, a variant classified as benign is not then subjected to further curation. The score for this variant resulted in a classification of benign for this disease.

Eurofins Ntd Llc (ga)
Classification: Benign. Last evaluated: 2016-01-29. Review status: criteria provided, single submitter. Criteria: EGL Classification Definitions 2015. Collection method: clinical testing. Allele origin: germline. Observed: 1 variant allele, 1 heterozygote.

PreventionGenetics, part of Exact Sciences
Classification: Benign for PANK2-related condition. Last evaluated: 2019-08-07. Review status: no assertion criteria provided. Collection method: clinical testing. Allele origin: germline. Not counted in ClinVar's aggregate classification.
Comment: This variant is classified as benign based on ACMG/AMP sequence variant interpretation guidelines (Richards et al. 2015 PMID: 25741868, with internal and published modifications).